The following is an entry in ClinVar:

ClinVar aggregate classification (germline): Uncertain significance (1 of 4 stars; one submission).

Conditions:
Hypertrophic cardiomyopathy 14. Identifiers: MedGen C2750467, MONDO:0013197, OMIM 613251.

Submission:

Labcorp Genetics (formerly Invitae), Labcorp
Classification: Uncertain significance for Hypertrophic cardiomyopathy 14. Last evaluated: 2023-06-30. Review status: criteria provided, single submitter. Criteria: Invitae Variant Classification Sherloc (09022015). Collection method: clinical testing. Allele origin: germline.
Comment: This sequence change falls in intron 30 of the MYH6 gene. It does not directly change the encoded amino acid sequence of the MYH6 protein. Information on the frequency of this variant in the gnomAD database is not available, as this variant may be reported differently in the database. This variant has not been reported in the literature in individuals affected with MYH6-related conditions. In summary, the available evidence is currently insufficient to determine the role of this variant in disease. Therefore, it has been classified as a Variant of Uncertain Significance.

NM_002471.4(MYH6):c.4359+13_4359+14delinsTA

Gene: MYH6 (myosin heavy chain 6; minus strand). Cytogenetic location: 14q11.2.
Variant type: Indel.
Coding change: c.4359+13_4359+14delinsTA on transcript NM_002471.4 (MANE Select); bases 13 to 14 of the intron after coding-DNA position 4359, CG replaced by TA.
Molecular consequence: intron variant.
Genome position (GRCh38, 1-based): chr14:23,388,141-23,388,142, CG replaced by TA on the plus strand (CG replaced by TA on the coding strand, the reverse complement: MYH6 is on the minus strand). VCF-style: chr14-23388141-CG-TA. GRCh37 (hg19) VCF-style: chr14-23857350-CG-TA.
Identifiers: ClinVar variation 2903165 (VCV002903165.3), dbSNP rs2502149518, ClinGen allele CA2739277772.